The following is an entry in ClinVar:

NM_024652.6(LRRK1):c.4979G>A (p.Gly1660Asp)

Genes: LRRK1 (leucine rich repeat kinase 1; plus strand), LRRK1-AS1 (LRRK1 antisense RNA 1; minus strand). Cytogenetic location: 15q26.3.
Variant type: single nucleotide variant.
Coding change: c.4979G>A on transcript NM_024652.6 (MANE Select); coding-DNA position 4979, G replaced by A.
Protein change: p.Gly1660Asp; replaces glycine 1660 with aspartic acid.
Molecular consequence: missense variant.
Genome position (GRCh38, 1-based): chr15:101,065,416, G>A. VCF-style: chr15-101065416-G-A. GRCh37 (hg19) VCF-style: chr15-101605621-G-A.
Other names: short protein forms G1660D.
Identifiers: ClinVar variation 1477583 (VCV001477583.6), dbSNP rs770791811, ClinGen allele CA7762042.

ClinVar aggregate classification (germline): Uncertain significance (1 of 4 stars; one submission).

Allele frequency attached by ClinVar (database versions not stated): gnomAD 0.00001 and 0.00003; gnomAD exomes 0.00004 and 0.00006; ExAC 0.00007.
gnomAD v4.1: 60 of 1,614,124 alleles (0.0037%); highest among the groups gnomAD compares: South Asian, 0.052%; 1 homozygote.

Submission:

Labcorp Genetics (formerly Invitae), Labcorp
Classification: Uncertain significance. Last evaluated: 2025-12-03. Review status: criteria provided, single submitter. Criteria: Invitae Variant Classification Sherloc (09022015). Collection method: clinical testing. Allele origin: germline.
Comment: This sequence change replaces glycine, which is neutral and non-polar, with aspartic acid, which is acidic and polar, at codon 1660 of the LRRK1 protein (p.Gly1660Asp). This variant is present in population databases (rs770791811, gnomAD 0.04%), including at least one homozygous and/or hemizygous individual. This variant has not been reported in the literature in individuals affected with LRRK1-related conditions. ClinVar contains an entry for this variant (Variation ID: 1477583). An algorithm developed to predict the effect of missense changes on protein structure and function (PolyPhen-2) suggests that this variant is likely to be tolerated. In summary, the available evidence is currently insufficient to determine the role of this variant in disease. Therefore, it has been classified as a Variant of Uncertain Significance.